The following is an entry in ClinVar:

ClinVar aggregate classification (germline): Likely benign (1 of 4 stars; one submission).

Conditions:
TKT-related disorder. Also called: TKT-related condition.

gnomAD v4.1: 184 of 1,614,226 alleles (0.011%); highest among the groups gnomAD compares: South Asian, 0.19%; 1 homozygote.

Submission:

PreventionGenetics, part of Exact Sciences
Classification: Likely benign for TKT-related condition. Last evaluated: 2026-02-16. Review status: criteria provided, single submitter. Criteria: ACMG Guidelines, 2015. Collection method: clinical testing. Allele origin: germline.
Comment: This variant is classified as likely benign based on ACMG/AMP sequence variant interpretation guidelines (Richards et al. 2015 PMID: 25741868, with internal and published modifications).

NM_001064.4(TKT):c.982C>G (p.Leu328Val)

Gene: TKT (transketolase; minus strand). Cytogenetic location: 3p21.1.
Variant type: single nucleotide variant.
Coding change: c.982C>G on transcript NM_001064.4 (MANE Select); coding-DNA position 982, C replaced by G.
Protein change: p.Leu328Val; replaces leucine 328 with valine.
Molecular consequence: missense variant. On other transcripts: non-coding transcript variant (1).
Genome position (GRCh38, 1-based): chr3:53,230,582, G>C on the plus strand (C>G on the coding strand, the complement: TKT is on the minus strand). VCF-style: chr3-53230582-G-C. GRCh37 (hg19) VCF-style: chr3-53264598-G-C.
Other names: c.982C>G, p.Leu328Val (NM_001135055.3); c.1006C>G, p.Leu336Val (NM_001258028.2); short protein forms L328V, L336V.
Identifiers: ClinVar variation 4980504 (VCV004980504.1).